The following is an entry in ClinVar:

NM_002087.4(GRN):c.698C>A (p.Pro233Gln)

Genes: GRN (granulin precursor; plus strand), LOC125177489 (Sharpr-MPRA regulatory region 15390; plus strand). Cytogenetic location: 17q21.31.
Variant type: single nucleotide variant.
Coding change: c.698C>A on transcript NM_002087.4 (MANE Select); coding-DNA position 698, C replaced by A.
Protein change: p.Pro233Gln; replaces proline 233 with glutamine.
Molecular consequence: missense variant.
Genome position (GRCh38, 1-based): chr17:44,350,790, C>A. VCF-style: chr17-44350790-C-A. GRCh37 (hg19) VCF-style: chr17-42428158-C-A.
Other names: short protein forms P233Q.
Identifiers: ClinVar variation 98147 (VCV000098147.12), dbSNP rs63750455, ClinGen allele CA225263.

ClinVar aggregate classification (germline): Uncertain significance. Review status: criteria provided, multiple submitters, no conflicts (2 of 4 stars). 4 submissions from 4 submitters: Uncertain significance (3). 1 of the submissions does not count toward it. Last evaluated 2025-12-13.

Conditions:
Inborn genetic diseases. Identifiers: MedGen C0950123, MeSH D030342.
GRN-related frontotemporal lobar degeneration with Tdp43 inclusions (FTD2). Also called: DEMENTIA, HEREDITARY DYSPHASIC DISINHIBITION; FRONTOTEMPORAL LOBAR DEGENERATION WITH UBIQUITIN-POSITIVE INCLUSIONS; FTLD-TDP, GRN-RELATED; FRONTOTEMPORAL DEMENTIA WITH TDP43 INCLUSIONS, GRN-RELATED; GRN Frontotemporal Dementia. Identifiers: Orphanet 100070, Orphanet 282, MedGen C1843792, MONDO:0011842, OMIM 607485. Disease mechanism: loss of function.
Neuronal ceroid lipofuscinosis 11. Also called: GRN-Related Neuronal Ceroid-Lipofuscinosis. Identifiers: Orphanet 314629, Orphanet 79262, MedGen C3539123, MONDO:0013866, OMIM 614706.

Allele frequency attached by ClinVar (database versions not stated): gnomAD 0.00004; gnomAD exomes 0.00001; ExAC 0.00002; TOPMed 0.00006; ESP Exome Variant Server 0.00008.
gnomAD v4.1: 14 of 1,610,432 alleles (0.00087%); highest among the groups gnomAD compares: African/African-American, 0.017%; no homozygotes.

Submissions (4):

Labcorp Genetics (formerly Invitae), Labcorp
Classification: Uncertain significance for Neuronal ceroid lipofuscinosis 11; GRN-related frontotemporal lobar degeneration with Tdp43 inclusions. Last evaluated: 2025-12-13. Review status: criteria provided, single submitter. Criteria: Invitae Variant Classification Sherloc (09022015). Collection method: clinical testing. Allele origin: germline.
Comment: This sequence change replaces proline, which is neutral and non-polar, with glutamine, which is neutral and polar, at codon 233 of the GRN protein (p.Pro233Gln). This variant is present in population databases (rs63750455, gnomAD 0.02%). This missense change has been observed in individual(s) with clinical features of GRN-related conditions (PMID: 18543312). ClinVar contains an entry for this variant (Variation ID: 98147). Invitae Evidence Modeling of protein sequence and biophysical properties (such as structural, functional, and spatial information, amino acid conservation, physicochemical variation, residue mobility, and thermodynamic stability) indicates that this missense variant is expected to disrupt GRN protein function with a positive predictive value of 80%. In summary, the available evidence is currently insufficient to determine the role of this variant in disease. Therefore, it has been classified as a Variant of Uncertain Significance.

Women's Health and Genetics/Laboratory Corporation of America, LabCorp
Classification: Uncertain significance. Last evaluated: 2024-09-11. Review status: criteria provided, single submitter. Criteria: LabCorp Variant Classification Summary - May 2015. Collection method: clinical testing. Allele origin: germline.
Comment: Variant summary: GRN c.698C>A (p.Pro233Gln) results in a non-conservative amino acid change in the encoded protein sequence. Five of five in-silico tools predict a damaging effect of the variant on protein function. The variant allele was found at a frequency of 1.2e-05 in 250764 control chromosomes (gnomAD). The available data on variant occurrences in the general population are insufficient to allow any conclusion about variant significance. c.698C>A has been reported in the literature in at least one individual affected with GRN-Related Disorders (Bronner_2007, Gijselinck_2008). These reports do not provide unequivocal conclusions about association of the variant with GRN-Related Disorders. To our knowledge, no experimental evidence demonstrating an impact on protein function has been reported. The following publications have been ascertained in the context of this evaluation (PMID: 17228326, 18543312). ClinVar contains an entry for this variant (Variation ID: 98147). Based on the evidence outlined above, the variant was classified as uncertain significance.

Ambry Genetics
Classification: Uncertain significance for Inborn genetic diseases. Last evaluated: 2016-12-14. Review status: criteria provided, single submitter. Criteria: Ambry Variant Classification Scheme 2023. Collection method: clinical testing. Allele origin: germline.
Comment: The p.P233Q variant (also known as c.698C>A), located in coding exon 6 of the GRN gene, results from a C to A substitution at nucleotide position 698. The proline at codon 233 is replaced by glutamine, an amino acid with similar properties. This amino acid position is highly conserved in available vertebrate species. In addition, this alteration is predicted to be deleterious by in silico analysis. Since supporting evidence is limited at this time, the clinical significance of this alteration remains unclear.

VIB  Department of Molecular Genetics, University of Antwerp
No classification provided. Review status: no classification provided. Collection method: not provided. Allele origin: unknown. Not counted in ClinVar's aggregate classification.

Literature cited by the submitters: PubMed 18543312 (cited by Labcorp Genetics (formerly Invitae), Labcorp and Women's Health and Genetics/Laboratory Corporation of America, LabCorp); PubMed 17228326 (cited by Women's Health and Genetics/Laboratory Corporation of America, LabCorp).